The following is an entry in ClinVar:

NM_000384.3(APOB):c.8538T>G (p.Phe2846Leu)

Gene: APOB (apolipoprotein B; minus strand). Cytogenetic location: 2p24.1.
Variant type: single nucleotide variant.
Coding change: c.8538T>G on transcript NM_000384.3 (MANE Select); coding-DNA position 8538, T replaced by G.
Protein change: p.Phe2846Leu; replaces phenylalanine 2846 with leucine.
Molecular consequence: missense variant.
Genome position (GRCh38, 1-based): chr2:21,008,330, A>C on the plus strand (T>G on the coding strand, the complement: APOB is on the minus strand). VCF-style: chr2-21008330-A-C. GRCh37 (hg19) VCF-style: chr2-21231202-A-C.
Other names: short protein forms F2846L.
Identifiers: ClinVar variation 3307912 (VCV003307912.1).

ClinVar aggregate classification (germline): Uncertain significance (1 of 4 stars; one submission).

Conditions:
Cardiovascular phenotype. Identifiers: MedGen CN230736.

gnomAD v4.1: 10 of 1,612,998 alleles (0.00062%); highest among the groups gnomAD compares: Non-Finnish European, 0.00085%; no homozygotes.

Submission:

Ambry Genetics
Classification: Uncertain significance for Cardiovascular phenotype. Last evaluated: 2024-05-17. Review status: criteria provided, single submitter. Criteria: Ambry Variant Classification Scheme 2023. Collection method: clinical testing. Allele origin: germline.
Comment: The p.F2846L variant (also known as c.8538T>G), located in coding exon 26 of the APOB gene, results from a T to G substitution at nucleotide position 8538. The phenylalanine at codon 2846 is replaced by leucine, an amino acid with highly similar properties. This amino acid position is conserved. In addition, this alteration is predicted to be tolerated by in silico analysis. Based on the available evidence, the clinical significance of this variant remains unclear.